The following is an entry in ClinVar:

NM_013432.5(TONSL):c.3193G>T (p.Ala1065Ser)

Gene: TONSL (tonsoku like, DNA repair protein; minus strand). Cytogenetic location: 8q24.3.
Variant type: single nucleotide variant.
Coding change: c.3193G>T on transcript NM_013432.5 (MANE Select); coding-DNA position 3193, G replaced by T.
Protein change: p.Ala1065Ser; replaces alanine 1065 with serine.
Molecular consequence: missense variant.
Genome position (GRCh38, 1-based): chr8:144,434,172, C>A on the plus strand (G>T on the coding strand, the complement: TONSL is on the minus strand). VCF-style: chr8-144434172-C-A. GRCh37 (hg19) VCF-style: chr8-145659555-C-A.
Other names: c.3193G>T (NM_013432.4); short protein forms A1065S.
Identifiers: ClinVar variation 1953941 (VCV001953941.3), dbSNP rs782073584, ClinGen allele CA4942571.

ClinVar aggregate classification (germline): Uncertain significance. Review status: criteria provided, multiple submitters, no conflicts (2 of 4 stars). 2 submissions from 2 submitters: Uncertain significance (2). Last evaluated 2025-04-10.

Conditions:
Inborn genetic diseases. Identifiers: MedGen C0950123, MeSH D030342.

Allele frequency attached by ClinVar (database versions not stated): TOPMed 0.00003; gnomAD exomes below 0.00001; ExAC 0.00001.
gnomAD v4.1: 4 of 1,607,370 alleles (0.00025%); highest among the groups gnomAD compares: Non-Finnish European, 0.00034%; no homozygotes.

Submissions (2):

Ambry Genetics
Classification: Uncertain significance for Inborn genetic diseases. Last evaluated: 2025-04-10. Review status: criteria provided, single submitter. Criteria: Ambry Variant Classification Scheme 2023. Collection method: clinical testing. Allele origin: germline.

Labcorp Genetics (formerly Invitae), Labcorp
Classification: Uncertain significance. Last evaluated: 2022-02-25. Review status: criteria provided, single submitter. Criteria: Invitae Variant Classification Sherloc (09022015). Collection method: clinical testing. Allele origin: germline.
Comment: This sequence change replaces alanine, which is neutral and non-polar, with serine, which is neutral and polar, at codon 1065 of the TONSL protein (p.Ala1065Ser). This variant is present in population databases (rs782073584, gnomAD 0.001%). This variant has not been reported in the literature in individuals affected with TONSL-related conditions. Algorithms developed to predict the effect of missense changes on protein structure and function (SIFT, PolyPhen-2, Align-GVGD) all suggest that this variant is likely to be disruptive. In summary, the available evidence is currently insufficient to determine the role of this variant in disease. Therefore, it has been classified as a Variant of Uncertain Significance.